The following is an entry in ClinVar:

NM_006912.6(RIT1):c.602A>T (p.Asn201Ile)

Gene: RIT1 (Ras like without CAAX 1; minus strand). Cytogenetic location: 1q22.
Variant type: single nucleotide variant.
Coding change: c.602A>T on transcript NM_006912.6 (MANE Select); coding-DNA position 602, A replaced by T.
Protein change: p.Asn201Ile; replaces asparagine 201 with isoleucine.
Molecular consequence: missense variant.
Genome position (GRCh38, 1-based): chr1:155,900,446, T>A on the plus strand (A>T on the coding strand, the complement: RIT1 is on the minus strand). VCF-style: chr1-155900446-T-A. GRCh37 (hg19) VCF-style: chr1-155870237-T-A.
Other names: c.494A>T, p.Asn165Ile (NM_001256820.2); c.653A>T, p.Asn218Ile (NM_001256821.2); short protein forms N165I, N201I, N218I.
Identifiers: ClinVar variation 3372353 (VCV003372353.1).

ClinVar aggregate classification (germline): Uncertain significance (1 of 4 stars; one submission).

Submission:

GeneDx
Classification: Uncertain significance. Last evaluated: 2024-04-29. Review status: criteria provided, single submitter. Criteria: GeneDx Variant Classification Process June 2021. Collection method: clinical testing. Allele origin: germline. Affected: yes.
Comment: Not observed at significant frequency in large population cohorts (gnomAD); In silico analysis indicates that this missense variant does not alter protein structure/function; Has not been previously published as pathogenic or benign to our knowledge